The following is an entry in ClinVar:

NM_001303256.3(MORC2):c.1078C>G (p.Leu360Val)

Gene: MORC2 (MORC family CW-type zinc finger 2; minus strand). Cytogenetic location: 22q12.2.
Variant type: single nucleotide variant.
Coding change: c.1078C>G on transcript NM_001303256.3 (MANE Select); coding-DNA position 1078, C replaced by G.
Protein change: p.Leu360Val; replaces leucine 360 with valine.
Molecular consequence: missense variant.
Genome position (GRCh38, 1-based): chr22:30,938,201, G>C on the plus strand (C>G on the coding strand, the complement: MORC2 is on the minus strand). VCF-style: chr22-30938201-G-C. GRCh37 (hg19) VCF-style: chr22-31334188-G-C.
Other names: c.1078C>G, p.Leu360Val (NM_001303257.2); c.892C>G, p.Leu298Val (NM_014941.3); short protein forms L298V, L360V.
Identifiers: ClinVar variation 2577351 (VCV002577351.1), dbSNP rs1268129848, ClinGen allele CA411239632.

ClinVar aggregate classification (germline): Uncertain significance (1 of 4 stars; one submission).

Submission:

Women's Health and Genetics/Laboratory Corporation of America, LabCorp
Classification: Uncertain significance. Last evaluated: 2023-07-21. Review status: criteria provided, single submitter. Criteria: LabCorp Variant Classification Summary - May 2015. Collection method: clinical testing. Allele origin: germline.
Comment: Variant summary: MORC2 c.1078C>G (p.Leu360Val) results in a conservative amino acid change located in the Morc, S5 domain 2-like (IPR041006) of the encoded protein sequence. Four of five in-silico tools predict a benign effect of the variant on protein function. The variant was absent in 250188 control chromosomes (gnomAD). The available data on variant occurrences in the general population are insufficient to allow any conclusion about variant significance. To our knowledge, no occurrence of c.1078C>G in individuals affected with Developmental Delay, Impaired Growth, Dysmorphic Facies, And Axonal Neuropathy and no experimental evidence demonstrating its impact on protein function have been reported. No submitters have cited clinical-significance assessments for this variant to ClinVar after 2014. Based on the evidence outlined above, the variant was classified as uncertain significance.